The following is an entry in ClinVar:

ClinVar aggregate classification (germline): Likely benign (0 of 4 stars; one submission).

Conditions:
TMED3-related disorder. Also called: TMED3-related condition.

Allele frequency attached by ClinVar (database versions not stated): TOPMed 0.00062; 1000 Genomes Project 30x 0.00094; gnomAD exomes 0.00008; gnomAD 0.00056; 1000 Genomes Project 0.00060.
gnomAD v4.1: 130 of 702,458 alleles (0.019%); highest among the groups gnomAD compares: African/African-American, 0.19%; no homozygotes.

Submission:

PreventionGenetics, part of Exact Sciences
Classification: Likely benign for TMED3-related condition. Last evaluated: 2021-03-29. Review status: no assertion criteria provided. Collection method: clinical testing. Allele origin: germline.
Comment: This variant is classified as likely benign based on ACMG/AMP sequence variant interpretation guidelines (Richards et al. 2015 PMID: 25741868, with internal and published modifications).

NM_001330376.2(TMED3):c.459C>T (p.Val153=)

Genes: TMED3 (transmembrane p24 trafficking protein 3; plus strand), MINAR1 (membrane integral NOTCH2 associated receptor 1; plus strand). Cytogenetic location: 15q25.1.
Variant type: single nucleotide variant.
Coding change: c.459C>T on transcript NM_001330376.2; coding-DNA position 459, C replaced by T.
Protein change: p.Val153=; no amino-acid change (valine 153 retained).
Molecular consequence: synonymous variant.
Genome position (GRCh38, 1-based): chr15:79,411,441, C>T. VCF-style: chr15-79411441-C-T. GRCh37 (hg19) VCF-style: chr15-79703783-C-T.
Identifiers: ClinVar variation 3052086 (VCV003052086.2), dbSNP rs542328830, ClinGen allele CA273973153.